The following is an entry in ClinVar:

NM_024675.4(PALB2):c.212-17A>T

Gene: PALB2 (partner and localizer of BRCA2; minus strand). Cytogenetic location: 16p12.2.
Variant type: single nucleotide variant.
Coding change: c.212-17A>T on transcript NM_024675.4 (MANE Select); 17 bases into the intron before coding-DNA position 212, A replaced by T.
Molecular consequence: intron variant.
Genome position (GRCh38, 1-based): chr16:23,636,351, T>A on the plus strand (A>T on the coding strand, the complement: PALB2 is on the minus strand). VCF-style: chr16-23636351-T-A. GRCh37 (hg19) VCF-style: chr16-23647672-T-A.
Identifiers: ClinVar variation 1547129 (VCV001547129.10), dbSNP rs1322250562, ClinGen allele CA2573152321.

ClinVar aggregate classification (germline): Likely benign. Review status: criteria provided, multiple submitters, no conflicts (2 of 4 stars). 2 submissions from 2 submitters: Likely benign (2). Last evaluated 2025-01-10.

Conditions:
Familial cancer of breast. Also called: hereditary breast carcinoma; Hereditary breast cancer; BREAST CANCER, FAMILIAL. Identifiers: Orphanet 227535, MedGen C0346153, MONDO:0016419, OMIM 114480. Disease mechanism: loss of function.

Submissions (2):

Myriad Genetics, Inc.
Classification: Likely benign for Familial cancer of breast. Last evaluated: 2025-01-10. Review status: criteria provided, single submitter. Criteria: Myriad Autosomal Dominant, Autosomal Recessive and X-Linked Classification Criteria (2023). Collection method: clinical testing. Allele origin: unknown.
Comment: This variant is considered likely benign. This variant is intronic and is not expected to impact mRNA splicing.

Labcorp Genetics (formerly Invitae), Labcorp
Classification: Likely benign for Familial cancer of breast. Last evaluated: 2024-04-30. Review status: criteria provided, single submitter. Criteria: Invitae Variant Classification Sherloc (09022015). Collection method: clinical testing. Allele origin: germline.